The following is an entry in ClinVar:

ClinVar aggregate classification (germline): Uncertain significance (1 of 4 stars; one submission).

Submission:

GeneDx
Classification: Uncertain significance. Last evaluated: 2025-02-03. Review status: criteria provided, single submitter. Criteria: GeneDx Variant Classification Process June 2021. Collection method: clinical testing. Allele origin: germline. Affected: yes.
Comment: Not observed at significant frequency in large population cohorts (gnomAD); In silico analysis supports that this missense variant has a deleterious effect on protein structure/function; Has not been previously published as pathogenic or benign to our knowledge

NM_000352.6(ABCC8):c.2662C>G (p.His888Asp)

Gene: ABCC8 (ATP binding cassette subfamily C member 8; minus strand). Cytogenetic location: 11p15.1.
Variant type: single nucleotide variant.
Coding change: c.2662C>G on transcript NM_000352.6 (MANE Select); coding-DNA position 2662, C replaced by G.
Protein change: p.His888Asp; replaces histidine 888 with aspartic acid.
Molecular consequence: missense variant. On other transcripts: non-coding transcript variant (1).
Genome position (GRCh38, 1-based): chr11:17,410,548, G>C on the plus strand (C>G on the coding strand, the complement: ABCC8 is on the minus strand). VCF-style: chr11-17410548-G-C. GRCh37 (hg19) VCF-style: chr11-17432095-G-C.
Other names: c.2665C>G, p.His889Asp (NM_001287174.3); c.2728C>G, p.His910Asp (NM_001351295.2); c.2662C>G, p.His888Asp (NM_001351296.2); c.2659C>G, p.His887Asp (NM_001351297.2); short protein forms H887D, H888D, H889D, H910D.
Identifiers: ClinVar variation 4072673 (VCV004072673.1).